The following is an entry in ClinVar:

NM_133433.4(NIPBL):c.8311A>G (p.Ile2771Val)

Gene: NIPBL (NIPBL cohesin loading factor; plus strand). Cytogenetic location: 5p13.2.
Variant type: single nucleotide variant.
Coding change: c.8311A>G on transcript NM_133433.4 (MANE Select); coding-DNA position 8311, A replaced by G.
Protein change: p.Ile2771Val; replaces isoleucine 2771 with valine.
Molecular consequence: missense variant. On other transcripts: 3 prime UTR variant (1).
Genome position (GRCh38, 1-based): chr5:37,064,788, A>G. VCF-style: chr5-37064788-A-G. GRCh37 (hg19) VCF-style: chr5-37064890-A-G.
Other names: c.*765A>G (NM_015384.5); short protein forms I2771V.
Identifiers: ClinVar variation 2805060 (VCV002805060.25), dbSNP rs759899081, ClinGen allele CA3237354.

ClinVar aggregate classification (germline): Uncertain significance. Review status: criteria provided, multiple submitters, no conflicts (2 of 4 stars). 2 submissions from 2 submitters: Uncertain significance (2). Last evaluated 2024-02-01.

Conditions:
Cornelia de Lange syndrome 1 (CDLS1). Also called: Brachmann de Lange syndrome; NIPBL-Related Cornelia de Lange Syndrome; TYPUS DEGENERATIVUS AMSTELODAMENSIS. Identifiers: Orphanet 199, MedGen C4551851, MONDO:0007387, OMIM 122470.

Allele frequency attached by ClinVar (database versions not stated): TOPMed below 0.00001; ExAC 0.00001; gnomAD exomes 0.00001.
gnomAD v4.1: 12 of 1,614,218 alleles (0.00074%); highest among the groups gnomAD compares: East Asian, 0.0089%; no homozygotes.

Submissions (2):

CeGaT Center for Human Genetics Tuebingen
Classification: Uncertain significance. Last evaluated: 2024-02-01. Review status: criteria provided, single submitter. Criteria: CeGaT Center For Human Genetics Tuebingen Variant Classification Criteria Version 2. Collection method: clinical testing. Allele origin: germline. Affected: yes. Observed: 1 variant allele.
Comment: NIPBL: PM2

Labcorp Genetics (formerly Invitae), Labcorp
Classification: Uncertain significance for Cornelia de Lange syndrome 1. Last evaluated: 2023-03-16. Review status: criteria provided, single submitter. Criteria: Invitae Variant Classification Sherloc (09022015). Collection method: clinical testing. Allele origin: germline.
Comment: This variant is present in population databases (rs759899081, gnomAD 0.0009%). This variant has not been reported in the literature in individuals affected with NIPBL-related conditions. Advanced modeling of protein sequence and biophysical properties (such as structural, functional, and spatial information, amino acid conservation, physicochemical variation, residue mobility, and thermodynamic stability) performed at Invitae indicates that this missense variant is not expected to disrupt NIPBL protein function. In summary, the available evidence is currently insufficient to determine the role of this variant in disease. Therefore, it has been classified as a Variant of Uncertain Significance. This sequence change replaces isoleucine, which is neutral and non-polar, with valine, which is neutral and non-polar, at codon 2771 of the NIPBL protein (p.Ile2771Val).